The following is an entry in ClinVar:

ClinVar aggregate classification (germline): Uncertain significance (1 of 4 stars; one submission).

Allele frequency attached by ClinVar (database versions not stated): TOPMed 0.00001.

Submission:

Labcorp Genetics (formerly Invitae), Labcorp
Classification: Uncertain significance. Last evaluated: 2021-11-14. Review status: criteria provided, single submitter. Criteria: Invitae Variant Classification Sherloc (09022015). Collection method: clinical testing. Allele origin: germline.
Comment: This sequence change replaces serine, which is neutral and polar, with arginine, which is basic and polar, at codon 19 of the PROP1 protein (p.Ser19Arg). This variant is not present in population databases (gnomAD no frequency). This variant has not been reported in the literature in individuals affected with PROP1-related conditions. Algorithms developed to predict the effect of missense changes on protein structure and function (SIFT, PolyPhen-2, Align-GVGD) all suggest that this variant is likely to be tolerated. In summary, the available evidence is currently insufficient to determine the role of this variant in disease. Therefore, it has been classified as a Variant of Uncertain Significance.

NM_006261.5(PROP1):c.57C>G (p.Ser19Arg)

Gene: PROP1 (PROP paired-like homeobox 1; minus strand). Cytogenetic location: 5q35.3.
Variant type: single nucleotide variant.
Coding change: c.57C>G on transcript NM_006261.5 (MANE Select); coding-DNA position 57, C replaced by G.
Protein change: p.Ser19Arg; replaces serine 19 with arginine.
Molecular consequence: missense variant.
Genome position (GRCh38, 1-based): chr5:177,995,877, G>C on the plus strand (C>G on the coding strand, the complement: PROP1 is on the minus strand). VCF-style: chr5-177995877-G-C. GRCh37 (hg19) VCF-style: chr5-177422878-G-C.
Other names: short protein forms S19R.
Identifiers: ClinVar variation 1476836 (VCV001476836.3), dbSNP rs1755756418, ClinGen allele CA362379518.